The following is an entry in ClinVar:

NM_001200.4(BMP2):c.346+5G>A

Gene: BMP2 (bone morphogenetic protein 2; plus strand). Cytogenetic location: 20p12.3.
Variant type: single nucleotide variant.
Coding change: c.346+5G>A on transcript NM_001200.4 (MANE Select); 5 bases into the intron after coding-DNA position 346, G replaced by A.
Molecular consequence: intron variant.
Genome position (GRCh38, 1-based): chr20:6,770,477, G>A. VCF-style: chr20-6770477-G-A. GRCh37 (hg19) VCF-style: chr20-6751124-G-A.
Identifiers: ClinVar variation 2996972 (VCV002996972.3), dbSNP rs1986375633, ClinGen allele CA2348108724.
Genomic context (GRCh38, chr20:6,770,477, plus strand): 5'-CCGGTTGGAGAGGGCAGCCAGCCGAGCCAACACTGTGCGCAGCTTCCACCATGAAGGTGA[G>A]GCATGGAGCAGGGCGTGGGGGCGGGGAGTCACCCTGCAAAGCCCTCCACCGTGGGCAGAC-3'

ClinVar aggregate classification (germline): Uncertain significance (1 of 4 stars; one submission).

Allele frequency attached by ClinVar (database versions not stated): TOPMed 0.00001.

Submission:

Labcorp Genetics (formerly Invitae), Labcorp
Classification: Uncertain significance. Last evaluated: 2024-06-17. Review status: criteria provided, single submitter. Criteria: Invitae Variant Classification Sherloc (09022015). Collection method: clinical testing. Allele origin: germline.
Comment: This sequence change falls in intron 2 of the BMP2 gene. It does not directly change the encoded amino acid sequence of the BMP2 protein. It affects a nucleotide within the consensus splice site. This variant is not present in population databases (gnomAD no frequency). This variant has not been reported in the literature in individuals affected with BMP2-related conditions. Variants that disrupt the consensus splice site are a relatively common cause of aberrant splicing (PMID: 17576681, 9536098). Algorithms developed to predict the effect of sequence changes on RNA splicing suggest that this variant is not likely to affect RNA splicing. In summary, the available evidence is currently insufficient to determine the role of this variant in disease. Therefore, it has been classified as a Variant of Uncertain Significance.

Literature cited by the submitters: PubMed 17576681; PubMed 9536098.